The following is an entry in ClinVar:

ClinVar aggregate classification (germline): Pathogenic (1 of 4 stars; one submission).

Conditions:
Catecholaminergic polymorphic ventricular tachycardia 1. Also called: VENTRICULAR TACHYCARDIA, CATECHOLAMINERGIC POLYMORPHIC, 1, WITH OR WITHOUT ATRIAL DYSFUNCTION AND/OR DILATED CARDIOMYOPATHY; RYR2-Related Catecholaminergic Polymorphic Ventricular Tachycardia; VENTRICULAR TACHYCARDIA, STRESS-INDUCED POLYMORPHIC 1. Identifiers: Orphanet 3286, MedGen C1631597, MONDO:0011484, OMIM 604772.

Submission:

Victorian Clinical Genetics Services, Murdoch Childrens Research Institute
Classification: Pathogenic for Catecholaminergic polymorphic ventricular tachycardia 1. Last evaluated: 2025-03-27. Review status: criteria provided, single submitter. Criteria: ACMG Guidelines, 2015. Collection method: clinical testing. Allele origin: germline. Affected: yes.
Comment: This variant is classified as Pathogenic. Evidence in support of pathogenic classification: Variant is absent from gnomAD (v2, v3 and v4); This variant has moderate previous evidence of pathogenicity in unrelated individuals. This variant has been reported in at least three families with suspected or known catecholaminergic polymorphic ventricular tachycardia (CPVT), with some families being described in multiple publications (PMIDs: 16272262, 24532560, 29453246, 18463378, 22383456, 15998675); This variant has strong evidence for segregation with disease. This variant was shown to segregate with disease in a large family with CPVT (PMID: 16272262); Variant is located in a hotspot region or cluster of PATHOGENIC variants (DECIPHER, PMID: 30696458). Additional information: Variant is predicted to result in a missense amino acid change from glutamic acid to lysine; This variant is heterozygous; This gene is associated with autosomal dominant disease; Alternative amino acid change(s) at the same position are present in gnomAD (Highest allele count: v4: 1 heterozygote(s), 0 homozygote(s)); No comparable missense variants have previous evidence for pathogenicity; Missense variant with inconclusive in silico prediction and uninformative conservation; Dominant negative and gain of function are known mechanisms of disease in this gene and are associated with catecholaminergic polymorphic ventricular tachycardia 1 (MIM#604772) and left ventricular non-compaction (PMIDs: 12459180, 27646203, 29477366, 31875585, 33500567). Loss of function has been reported for ventricular arrhythmias due to cardiac ryanodine receptor calcium release deficiency syndrome (MIM#115000), however dominant negative mechanism has not been excluded (PMID: 33536282); The condition associated with this gene has incomplete penetrance. Penetrance for CPVT is estimated to be 60-70% (PMID: 23549275); Inheritance information for this variant is not currently available in this individual.

Literature cited by the submitters: PubMed 29453246; PubMed 30696458; PubMed 31875585; PubMed 18463378; PubMed 24532560; PubMed 23549275; PubMed 16272262; PubMed 15998675; PubMed 12459180; PubMed 33500567; PubMed 29477366; PubMed 33536282; PubMed 27646203; PubMed 22383456.

NM_001035.3(RYR2):c.12226G>A (p.Glu4076Lys)

Gene: RYR2 (ryanodine receptor 2; plus strand). Cytogenetic location: 1q43.
Variant type: single nucleotide variant.
Coding change: c.12226G>A on transcript NM_001035.3 (MANE Select); coding-DNA position 12226, G replaced by A.
Protein change: p.Glu4076Lys; replaces glutamic acid 4076 with lysine.
Molecular consequence: missense variant.
Genome position (GRCh38, 1-based): chr1:237,783,938, G>A. VCF-style: chr1-237783938-G-A. GRCh37 (hg19) VCF-style: chr1-237947238-G-A.
Other names: short protein forms E4076K.
Identifiers: ClinVar variation 4531406 (VCV004531406.1).